The following is an entry in ClinVar:

ClinVar aggregate classification (germline): Uncertain significance. Review status: criteria provided, multiple submitters, no conflicts (2 of 4 stars). 2 submissions from 2 submitters: Uncertain significance (2). Last evaluated 2023-04-27.

Conditions:
Hereditary cancer-predisposing syndrome. Also called: Hereditary neoplastic syndrome; Neoplastic Syndromes, Hereditary; Tumor predisposition; Hereditary Cancer Syndrome. Identifiers: Orphanet 140162, MedGen C0027672, MeSH D009386, MONDO:0015356.
Hereditary diffuse gastric adenocarcinoma (HDGC). Also called: DIFFUSE GASTRIC AND LOBULAR BREAST CANCER SYNDROME. Identifiers: Orphanet 26106, MedGen C1708349, MONDO:0007648, OMIM 137215.

Submissions (2):

Ambry Genetics
Classification: Uncertain significance for Hereditary cancer-predisposing syndrome. Last evaluated: 2023-04-27. Review status: criteria provided, single submitter. Criteria: Ambry Variant Classification Scheme 2023. Collection method: clinical testing. Allele origin: germline.
Comment: The p.P826S variant (also known as c.2476C>T), located in coding exon 16 of the CDH1 gene, results from a C to T substitution at nucleotide position 2476. The proline at codon 826 is replaced by serine, an amino acid with similar properties. This amino acid position is highly conserved in available vertebrate species. In addition, this alteration is predicted to be deleterious by in silico analysis. Since supporting evidence is limited at this time, the clinical significance of this alteration remains unclear.

Labcorp Genetics (formerly Invitae), Labcorp
Classification: Uncertain significance for Hereditary diffuse gastric adenocarcinoma. Last evaluated: 2020-11-16. Review status: criteria provided, single submitter. Criteria: Invitae Variant Classification Sherloc (09022015). Collection method: clinical testing. Allele origin: germline.
Comment: This sequence change replaces proline with serine at codon 826 of the CDH1 protein (p.Pro826Ser). The proline residue is highly conserved and there is a moderate physicochemical difference between proline and serine. This variant is not present in population databases (ExAC no frequency). This variant has not been reported in the literature in individuals with CDH1-related conditions. Algorithms developed to predict the effect of missense changes on protein structure and function are either unavailable or do not agree on the potential impact of this missense change (SIFT: "Deleterious"; PolyPhen-2: "Probably Damaging"; Align-GVGD: "Class C0"). In summary, the available evidence is currently insufficient to determine the role of this variant in disease. Therefore, it has been classified as a Variant of Uncertain Significance.

NM_004360.5(CDH1):c.2476C>T (p.Pro826Ser)

Gene: CDH1 (cadherin 1; plus strand). Cytogenetic location: 16q22.1.
Variant type: single nucleotide variant.
Coding change: c.2476C>T on transcript NM_004360.5 (MANE Select); coding-DNA position 2476, C replaced by T.
Protein change: p.Pro826Ser; replaces proline 826 with serine.
Molecular consequence: missense variant.
Genome position (GRCh38, 1-based): chr16:68,833,326, C>T. VCF-style: chr16-68833326-C-T. GRCh37 (hg19) VCF-style: chr16-68867229-C-T.
Other names: c.2293C>T, p.Pro765Ser (NM_001317184.2); c.928C>T, p.Pro310Ser (NM_001317185.2); c.511C>T, p.Pro171Ser (NM_001317186.2); short protein forms P171S, P310S, P765S, P826S.
Identifiers: ClinVar variation 1008491 (VCV001008491.11), dbSNP rs1961534415, ClinGen allele CA396472071.